The following is an entry in ClinVar:

NM_000313.4(PROS1):c.849G>A (p.Glu283=)

Gene: PROS1 (protein S; minus strand). Cytogenetic location: 3q11.1.
Variant type: single nucleotide variant.
Coding change: c.849G>A on transcript NM_000313.4 (MANE Select); coding-DNA position 849, G replaced by A.
Protein change: p.Glu283=; no amino-acid change (glutamic acid 283 retained).
Molecular consequence: synonymous variant.
Genome position (GRCh38, 1-based): chr3:93,898,448, C>T on the plus strand (G>A on the coding strand, the complement: PROS1 is on the minus strand). VCF-style: chr3-93898448-C-T. GRCh37 (hg19) VCF-style: chr3-93617292-C-T.
Other names: p.Glu283=; c.945G>A, p.Glu315= (NM_001314077.2).
Identifiers: ClinVar variation 2682839 (VCV002682839.2), dbSNP rs767767470, ClinGen allele CA434461251.

ClinVar aggregate classification (germline): Conflicting classifications of pathogenicity. Review status: criteria provided, conflicting classifications (1 of 4 stars). 2 submissions from 2 submitters: Likely pathogenic (1); Uncertain significance (1). Last evaluated 2024-09-06.

Conditions:
Thrombophilia due to protein S deficiency, autosomal dominant (THPH5). Identifiers: Orphanet 26349, Orphanet 743, MedGen C3278211, MONDO:0012868, OMIM 612336. Disease mechanism: loss of function.

Allele frequency attached by ClinVar (database versions not stated): TOPMed below 0.00001.

Submissions (2):

MVZ Martinsried, Medicover Genetics
Classification: Likely pathogenic for Thrombophilia due to protein S deficiency, autosomal dominant. Last evaluated: 2024-09-06. Review status: criteria provided, single submitter. Criteria: ACGS Guidelines, 2020. Collection method: clinical testing. Allele origin: unknown. Affected: yes.

Mayo Clinic Laboratories, Mayo Clinic
Classification: Uncertain significance. Last evaluated: 2022-12-21. Review status: criteria provided, single submitter. Criteria: ACMG Guidelines, 2015. Collection method: clinical testing. Allele origin: germline. Observed: 1 variant allele.
Comment: PP3, PM2, PS4_moderate